The following is an entry in ClinVar:

NM_001267550.2(TTN):c.40634-1G>T

Gene: TTN (titin; minus strand). Cytogenetic location: 2q31.2.
Variant type: single nucleotide variant.
Coding change: c.40634-1G>T on transcript NM_001267550.2 (MANE Select); the canonical splice acceptor site of the intron before coding-DNA position 40634, G replaced by T.
Molecular consequence: splice acceptor variant.
Genome position (GRCh38, 1-based): chr2:178,640,631, C>A on the plus strand (G>T on the coding strand, the complement: TTN is on the minus strand). VCF-style: chr2-178640631-C-A. GRCh37 (hg19) VCF-style: chr2-179505358-C-A.
Other names: c.13439-1G>T (NM_003319.4); c.14015-1G>T (NM_133437.4); c.13814-1G>T (NM_133432.3); c.32930-1G>T (NM_133378.4); c.35711-1G>T (NM_001256850.1).
Identifiers: ClinVar variation 1199466 (VCV001199466.3), dbSNP rs749062863, ClinGen allele CA349664060.

ClinVar aggregate classification (germline): Likely pathogenic (1 of 4 stars; one submission).

Submission:

GeneDx
Classification: Likely pathogenic. Last evaluated: 2020-06-10. Review status: criteria provided, single submitter. Criteria: GeneDx Variant Classification Process June 2021. Collection method: clinical testing. Allele origin: germline. Affected: yes.
Comment: Variant not located in the A-band nor the M-line region of titin, where the majority of pathogenic truncating variants have been reported; Has not been previously published as pathogenic or benign to our knowledge; Not observed in large population cohorts (Lek et al., 2016)